The following is an entry in ClinVar:

ClinVar aggregate classification (germline): Conflicting classifications of pathogenicity. Review status: criteria provided, conflicting classifications (1 of 4 stars). 2 submissions from 2 submitters: Uncertain significance (1); Likely benign (1). Last evaluated 2025-06-17.

Conditions:
Fanconi anemia (FA). Also called: Fanconi's anemia. Identifiers: Orphanet 84, MedGen C0015625, MeSH D005199, MONDO:0019391.
Fanconi anemia complementation group B (FANCB). Also called: FANCB-Related Fanconi Anemia; FANCONI PANCYTOPENIA, TYPE 2. Identifiers: Orphanet 84, MedGen C1845292, MONDO:0010351, OMIM 300514.

Allele frequency attached by ClinVar (database versions not stated): TOPMed below 0.00001; gnomAD 0.00001; gnomAD exomes 0.00001.
gnomAD v4.1: 7 of 1,207,547 alleles (0.00058%); highest among the groups gnomAD compares: Non-Finnish European, 0.00078%; no homozygotes.

Submissions (2):

St. Jude Molecular Pathology, St. Jude Children's Research Hospital
Classification: Uncertain significance for Fanconi anemia complementation group B. Last evaluated: 2025-06-17. Review status: criteria provided, single submitter. Criteria: St. Jude Assertion Criteria 2020. Collection method: clinical testing. Allele origin: germline.
Comment: The FANCB c.884G>A p.(Gly295Glu) missense change is absent in gnomAD v2.1.1. The in silico tool REVEL predicts a benign effect on protein function, but to our knowledge this prediction has not been confirmed by functional studies. To our knowledge, this variant has not been reported in the literature in individuals with Fanconi anemia. In summary, the evidence currently available is insufficient to determine the clinical significance of this variant. It has therefore been classified as of uncertain significance.

Labcorp Genetics (formerly Invitae), Labcorp
Classification: Likely benign for Fanconi anemia. Last evaluated: 2023-04-12. Review status: criteria provided, single submitter. Criteria: Invitae Variant Classification Sherloc (09022015). Collection method: clinical testing. Allele origin: germline.

NM_001018113.3(FANCB):c.884G>A (p.Gly295Glu)

Gene: FANCB (FA complementation group B; minus strand). Cytogenetic location: Xp22.2.
Variant type: single nucleotide variant.
Coding change: c.884G>A on transcript NM_001018113.3 (MANE Select); coding-DNA position 884, G replaced by A.
Protein change: p.Gly295Glu; replaces glycine 295 with glutamic acid.
Molecular consequence: missense variant.
Genome position (GRCh38, 1-based): chrX:14,864,627, C>T on the plus strand (G>A on the coding strand, the complement: FANCB is on the minus strand). VCF-style: chrX-14864627-C-T. GRCh37 (hg19) VCF-style: chrX-14882749-C-T.
Other names: c.884G>A, p.Gly295Glu (NM_001324162.2, NM_152633.4); short protein forms G295E.
Identifiers: ClinVar variation 456190 (VCV000456190.11), dbSNP rs1270593506, ClinGen allele CA412443491.